The following is an entry in ClinVar:

ClinVar aggregate classification (germline): Conflicting classifications of pathogenicity. Review status: criteria provided, conflicting classifications (1 of 4 stars). 7 submissions from 7 submitters: Uncertain significance (5); Likely benign (2). Last evaluated 2026-04-03.

Conditions:
ZNF469-related disorder. Also called: ZNF469-related condition.
Cardiovascular phenotype. Identifiers: MedGen CN230736.

gnomAD v4.1: 293 of 1,549,870 alleles (0.019%); highest among the groups gnomAD compares: South Asian, 0.033%; no homozygotes.

Submissions (7):

Women's Health and Genetics/Laboratory Corporation of America, LabCorp
Classification: Uncertain significance. Last evaluated: 2026-04-03. Review status: criteria provided, single submitter. Criteria: LabCorp Variant Classification Summary - May 2015. Collection method: clinical testing. Allele origin: germline.
Comment: Variant summary: ZNF469 c.457C>A (p.Pro153Thr) results in a non-conservative amino acid change in the encoded protein sequence. Algorithms developed to predict the effect of missense changes on protein structure and function are either unavailable or do not agree on the potential impact of this missense change. The variant allele was found at a frequency of 0.00016 in 145766 control chromosomes. This frequency is not significantly higher than estimated for disease-causing variants in ZNF469, allowing no conclusion about variant significance. To our knowledge, no occurrence of c.457C>A in individuals affected with ZNF469-related conditions and no experimental evidence demonstrating its impact on protein function have been reported. ClinVar contains an entry for this variant (Variation ID: 444381). Based on the evidence outlined above, the variant was classified as uncertain significance.

PreventionGenetics, part of Exact Sciences
Classification: Uncertain significance for ZNF469-related condition. Last evaluated: 2025-12-15. Review status: criteria provided, single submitter. Criteria: ACMG Guidelines, 2015. Collection method: clinical testing. Allele origin: germline.
Comment: The ZNF469 c.457C>A variant is predicted to result in the amino acid substitution p.Pro153Thr. To our knowledge, this variant has not been reported in the literature. This variant is reported in 0.040% of alleles in individuals of South Asian descent in gnomAD. At this time, the clinical significance of this variant is uncertain due to the absence of conclusive functional and genetic evidence.

Mayo Clinic Laboratories, Mayo Clinic
Classification: Likely benign. Last evaluated: 2025-02-17. Review status: criteria provided, single submitter. Criteria: ACMG Guidelines, 2015. Collection method: clinical testing. Allele origin: germline. Observed: 1 variant allele.
Comment: BS1, BP4_moderate

GeneDx
Classification: Uncertain significance. Last evaluated: 2025-02-04. Review status: criteria provided, single submitter. Criteria: GeneDx Variant Classification Process June 2021. Collection method: clinical testing. Allele origin: germline. Affected: yes.
Comment: Has not been previously published as pathogenic or benign to our knowledge; In silico analysis indicates that this missense variant does not alter protein structure/function

Ambry Genetics
Classification: Likely benign for Cardiovascular phenotype. Last evaluated: 2023-04-17. Review status: criteria provided, single submitter. Criteria: Ambry Variant Classification Scheme 2023. Collection method: clinical testing. Allele origin: germline.

Labcorp Genetics (formerly Invitae), Labcorp
Classification: Uncertain significance. Last evaluated: 2021-09-15. Review status: criteria provided, single submitter. Criteria: Invitae Variant Classification Sherloc (09022015). Collection method: clinical testing. Allele origin: germline.
Comment: This sequence change replaces proline with threonine at codon 153 of the ZNF469 protein (p.Pro153Thr). The proline residue is weakly conserved and there is a small physicochemical difference between proline and threonine. While this variant is present in population databases (rs532620482), the frequency information is unreliable, as metrics indicate poor data quality at this position in the ExAC database. This variant has not been reported in the literature in individuals affected with ZNF469-related conditions. Algorithms developed to predict the effect of missense changes on protein structure and function (SIFT, PolyPhen-2, Align-GVGD) all suggest that this variant is likely to be tolerated. In summary, the available evidence is currently insufficient to determine the role of this variant in disease. Therefore, it has been classified as a Variant of Uncertain Significance.

CeGaT Center for Human Genetics Tuebingen
Classification: Uncertain significance. Last evaluated: 2017-05-01. Review status: criteria provided, single submitter. Criteria: CeGaT Center For Human Genetics Tuebingen Variant Classification Criteria Version 2. Collection method: clinical testing. Allele origin: germline. Affected: yes. Observed: 1 variant allele.

NM_001367624.2(ZNF469):c.457C>A (p.Pro153Thr)

Gene: ZNF469 (zinc finger protein 469; plus strand). Cytogenetic location: 16q24.2.
Variant type: single nucleotide variant.
Coding change: c.457C>A on transcript NM_001367624.2 (MANE Select); coding-DNA position 457, C replaced by A.
Protein change: p.Pro153Thr; replaces proline 153 with threonine.
Molecular consequence: missense variant.
Genome position (GRCh38, 1-based): chr16:88,427,927, C>A. VCF-style: chr16-88427927-C-A. GRCh37 (hg19) VCF-style: chr16-88494335-C-A.
Other names: NM_001127464.1:c.457C>A; p.Pro153Thr; NM_001127464.2:c.457C>A; short protein forms P153T.
Identifiers: ClinVar variation 444381 (VCV000444381.56), dbSNP rs532620482, ClinGen allele CA8224587.